The following is an entry in ClinVar:

NM_000540.3(RYR1):c.13438-15T>C

Gene: RYR1 (ryanodine receptor 1; plus strand). Cytogenetic location: 19q13.2.
Variant type: single nucleotide variant.
Coding change: c.13438-15T>C on transcript NM_000540.3 (MANE Select); 15 bases into the intron before coding-DNA position 13438, T replaced by C.
Molecular consequence: intron variant.
Genome position (GRCh38, 1-based): chr19:38,566,896, T>C. VCF-style: chr19-38566896-T-C. GRCh37 (hg19) VCF-style: chr19-39057536-T-C.
Other names: c.13423-15T>C (NM_001042723.2).
Identifiers: ClinVar variation 2890847 (VCV002890847.4), dbSNP rs767455393, ClinGen allele CA059779.

ClinVar aggregate classification (germline): Likely benign. Review status: criteria provided, multiple submitters, no conflicts (2 of 4 stars). 2 submissions from 2 submitters: Likely benign (2). Last evaluated 2025-02-10.

Conditions:
RYR1-related disorder. Also called: RYR1-related disorders; RYR1-related condition. Identifiers: MedGen CN239331.
Malignant hyperthermia, susceptibility to, 1 (MHS1). Also called: Anesthesia related hyperthermia; Malignant hyperpyrexia; Fulminating hyperpyrexia; Pharmacogenic myopathy; RYR1-Related Malignant Hyperthermia Susceptibility; Malignant hyperthermia suceptibility 1. Identifiers: Orphanet 423, MedGen C2930980, MONDO:0007783, OMIM 145600.

Allele frequency attached by ClinVar (database versions not stated): ExAC 0.00006; TOPMed below 0.00001; gnomAD 0.00001; gnomAD exomes 0.00001.
gnomAD v4.1: 10 of 1,599,746 alleles (0.00063%); highest among the groups gnomAD compares: Non-Finnish European, 0.00077%; no homozygotes.

Submissions (2):

Labcorp Genetics (formerly Invitae), Labcorp
Classification: Likely benign for RYR1-related disorder. Last evaluated: 2025-02-10. Review status: criteria provided, single submitter. Criteria: Invitae Variant Classification Sherloc (09022015). Collection method: clinical testing. Allele origin: germline.

All of Us Research Program, National Institutes of Health
Classification: Likely benign for Malignant hyperthermia, susceptibility to, 1. Last evaluated: 2023-12-13. Review status: criteria provided, single submitter. Criteria: ACMG Guidelines, 2015. Collection method: clinical testing. Allele origin: germline. Inheritance: Autosomal dominant inheritance. Observed: 2 variant alleles, 2 heterozygotes.
Comment: This study involves interpretation of variants in research participants for the purpose of population health screening. Participant phenotype was not available at the time of variant classification. Additional details can be found in publication PMID: 35346344, PMCID: PMC8962531